The following is an entry in ClinVar:

ClinVar aggregate classification (germline): Pathogenic. Review status: reviewed by expert panel (3 of 4 stars). 2 submissions from 2 submitters: Pathogenic (1). 1 of the submissions does not count toward it. Last evaluated 2017-12-15.

Conditions:
Hereditary breast ovarian cancer syndrome. Also called: Hereditary breast and ovarian cancer syndrome (HBOC); BRCA1- and BRCA2-Associated Hereditary Breast and Ovarian Cancer; Hereditary breast and/or ovarian cancer syndrome; Hereditary breast and ovarian cancer syndrome; Hereditary breast and ovarian cancer; Breast and ovarian cancer. Identifiers: Orphanet 145, MedGen C0677776, MeSH D061325, MONDO:0003582. Disease mechanism: loss of function.
Breast-ovarian cancer, familial, susceptibility to, 1 (BROVCA1). Also called: BRCA1 Hereditary Breast and Ovarian Cancer; OVARIAN CANCER, SUSCEPTIBILITY TO. Identifiers: Orphanet 145, MedGen C2676676, MONDO:0011450, OMIM 604370. Disease mechanism: loss of function.

Submissions (2):

Evidence-based Network for the Interpretation of Germline Mutant Alleles (ENIGMA)
Classification: Pathogenic for Breast-ovarian cancer, familial, susceptibility to, 1. Last evaluated: 2017-12-15. Review status: reviewed by expert panel. Criteria: ENIGMA BRCA1/2 Classification Criteria (2017-06-29). Collection method: curation. Allele origin: germline. Study: ENIGMA.
Comment: Variant allele predicted to encode a truncated non-functional protein.

Research Molecular Genetics Laboratory, Women's College Hospital, University of Toronto
Classification: Pathogenic for Hereditary breast ovarian cancer syndrome. Last evaluated: 2014-01-31. Review status: no assertion criteria provided. Collection method: research. Allele origin: germline. Affected: yes. Study: The Canadian Open Genetics Repository (COGR). Not counted in ClinVar's aggregate classification.

NM_007294.4(BRCA1):c.1962_1968del (p.Lys654fs)

Gene: BRCA1 (BRCA1 DNA repair associated; minus strand). Cytogenetic location: 17q21.31.
Variant type: Deletion.
Coding change: c.1962_1968del on transcript NM_007294.4 (MANE Select); coding-DNA positions 1962 to 1968, 7 bases deleted (GTACAAC; older notation c.1962_1968delGTACAAC).
Protein change: p.Lys654fs; shifts the reading frame from lysine 654.
Molecular consequence: frameshift variant. On other transcripts: intron variant (137).
Genome position (GRCh38, 1-based): chr17:43,093,563-43,093,569, GTTGTAC deleted on the plus strand (GTACAAC on the coding strand, the reverse complement: BRCA1 is on the minus strand). VCF-style (leftmost placement, unchanged base first): chr17-43093562-GGTTGTAC-G. GRCh37 (hg19) VCF-style: chr17-41245579-GGTTGTAC-G.
Other names: c.1749_1755del, p.Lys583fs (NM_001407571.1, NM_001407853.1, NM_001407894.1 and 9 more transcripts); c.1962_1968del, p.Lys654fs (NM_001407581.1, NM_001407582.1, NM_001407583.1 and 30 more transcripts); c.1959_1965del, p.Lys653fs (NM_001407587.1, NM_001407590.1, NM_001407591.1 and 22 more transcripts); c.1953_1959del, p.Lys651fs (NM_001407646.1, NM_001407647.1); c.1839_1845del, p.Lys613fs (NM_001407648.1, NM_001407664.1, NM_001407665.1 and 19 more transcripts); c.1836_1842del, p.Lys612fs (NM_001407649.1, NM_001407670.1, NM_001407671.1 and 11 more transcripts); c.1884_1890del, p.Lys628fs (NM_001407653.1, NM_001407654.1, NM_001407655.1 and 4 more transcripts); c.1881_1887del, p.Lys627fs (NM_001407659.1, NM_001407660.1, NM_001407661.1 and 1 more transcripts); and 40 more; short protein forms K607fs, K654fs, K358fs, K527fs, K543fs, K565fs, K586fs, K587fs.
Identifiers: ClinVar variation 431221 (VCV000431221.2), dbSNP rs1135401849, ClinGen allele CA645373193.